The following is an entry in ClinVar:

NM_015378.4(VPS13D):c.10438A>G (p.Ile3480Val)

Gene: VPS13D (vacuolar protein sorting 13 homolog D; plus strand). Cytogenetic location: 1p36.22.
Variant type: single nucleotide variant.
Coding change: c.10438A>G on transcript NM_015378.4 (MANE Select); coding-DNA position 10438, A replaced by G.
Protein change: p.Ile3480Val; replaces isoleucine 3480 with valine.
Molecular consequence: missense variant.
Genome position (GRCh38, 1-based): chr1:12,363,237, A>G. VCF-style: chr1-12363237-A-G. GRCh37 (hg19) VCF-style: chr1-12423293-A-G.
Other names: c.10363A>G, p.Ile3455Val (NM_018156.4); short protein forms I3455V, I3480V.
Identifiers: ClinVar variation 2071265 (VCV002071265.4), dbSNP rs769666592, ClinGen allele CA603687.
Genomic context (GRCh38, chr1:12,363,237, plus strand): 5'-GACGTTCCCAATTGTATTTGGTCTGGAGGCTTTGAAGTCAACAAGAATAATTCCTTCCAT[A>G]TCAACATGAGGTAAGTTTGAGACTCTAAATATAGACAAAAAGGTAGCCCCTGTTTGAGAT-3'
Protein context (NP_056193.2, residues 3470-3490): FEVNKNNSFH[Ile3480Val]NMRDTLGKCF

ClinVar aggregate classification (germline): Uncertain significance. Review status: criteria provided, multiple submitters, no conflicts (2 of 4 stars). 2 submissions from 2 submitters: Uncertain significance (2). Last evaluated 2023-06-09.

Conditions:
Inborn genetic diseases. Identifiers: MedGen C0950123, MeSH D030342.

Allele frequency attached by ClinVar (database versions not stated): ExAC 0.00002; gnomAD exomes 0.00002; TOPMed 0.00002.
gnomAD v4.1: 13 of 1,614,144 alleles (0.00081%); highest among the groups gnomAD compares: Admixed American, 0.022%; no homozygotes.

Submissions (2):

Labcorp Genetics (formerly Invitae), Labcorp
Classification: Uncertain significance. Last evaluated: 2023-06-09. Review status: criteria provided, single submitter. Criteria: Invitae Variant Classification Sherloc (09022015). Collection method: clinical testing. Allele origin: germline.
Comment: This variant has not been reported in the literature in individuals affected with VPS13D-related conditions. In summary, the available evidence is currently insufficient to determine the role of this variant in disease. Therefore, it has been classified as a Variant of Uncertain Significance. Advanced modeling of protein sequence and biophysical properties (such as structural, functional, and spatial information, amino acid conservation, physicochemical variation, residue mobility, and thermodynamic stability) performed at Invitae indicates that this missense variant is not expected to disrupt VPS13D protein function. ClinVar contains an entry for this variant (Variation ID: 2071265). This variant is present in population databases (rs769666592, gnomAD 0.03%). This sequence change replaces isoleucine, which is neutral and non-polar, with valine, which is neutral and non-polar, at codon 3480 of the VPS13D protein (p.Ile3480Val).

Ambry Genetics
Classification: Uncertain significance for Inborn genetic diseases. Last evaluated: 2021-04-29. Review status: criteria provided, single submitter. Criteria: Ambry Variant Classification Scheme 2023. Collection method: clinical testing. Allele origin: germline.